The following is an entry in ClinVar:

ClinVar aggregate classification (germline): Likely pathogenic (1 of 4 stars; one submission).

Submission:

GeneDx
Classification: Likely pathogenic. Last evaluated: 2023-09-08. Review status: criteria provided, single submitter. Criteria: GeneDx Variant Classification Process June 2021. Collection method: clinical testing. Allele origin: germline. Affected: yes.
Comment: Intronic +5 splice site variant in a gene for which loss of function is a known mechanism of disease, and both splice predictors and evolutionary conservation support a deleterious effect, although in the absence of functional evidence the actual effect of this sequence change is unknown; Not observed at significant frequency in large population cohorts (gnomAD); This variant is associated with the following publications: (PMID: 27509835, 36951356)

NM_000088.4(COL1A1):c.2235+5G>C

Gene: COL1A1 (collagen type I alpha 1 chain; minus strand). Cytogenetic location: 17q21.33.
Variant type: single nucleotide variant.
Coding change: c.2235+5G>C on transcript NM_000088.4 (MANE Select); 5 bases into the intron after coding-DNA position 2235, G replaced by C.
Molecular consequence: intron variant.
Genome position (GRCh38, 1-based): chr17:50,191,378, C>G on the plus strand (G>C on the coding strand, the complement: COL1A1 is on the minus strand). VCF-style: chr17-50191378-C-G. GRCh37 (hg19) VCF-style: chr17-48268739-C-G.
Identifiers: ClinVar variation 3340282 (VCV003340282.1).